The following is an entry in ClinVar:

ClinVar aggregate classification (germline): Likely benign. Review status: criteria provided, single submitter (1 of 4 stars). 2 submissions from 2 submitters: Likely benign (1). 1 of the submissions does not count toward it. Last evaluated 2019-02-11.

Conditions:
GNAS-related disorder. Identifiers: MedGen CN380105.

Allele frequency attached by ClinVar (database versions not stated): gnomAD exomes below 0.00001.
gnomAD v4.1: 1 of 1,288,276 alleles (0.000078%); highest among the groups gnomAD compares: Non-Finnish European, 0.0001%; no homozygotes.

Submissions (2):

Labcorp Genetics (formerly Invitae), Labcorp
Classification: Likely benign. Last evaluated: 2019-02-11. Review status: criteria provided, single submitter. Criteria: Invitae Variant Classification Sherloc (09022015). Collection method: clinical testing. Allele origin: germline.

PreventionGenetics, part of Exact Sciences
Classification: Likely benign for GNAS-related condition. Last evaluated: 2020-08-14. Review status: no assertion criteria provided. Collection method: clinical testing. Allele origin: germline. Not counted in ClinVar's aggregate classification.
Comment: This variant is classified as likely benign based on ACMG/AMP sequence variant interpretation guidelines (Richards et al. 2015 PMID: 25741868, with internal and published modifications).

NM_000516.7(GNAS):c.72A>G (p.Lys24=)

Gene: GNAS (GNAS complex locus; plus strand). Cytogenetic location: 20q13.32.
Variant type: single nucleotide variant.
Coding change: c.72A>G on transcript NM_000516.7 (MANE Select); coding-DNA position 72, A replaced by G.
Protein change: p.Lys24=; no amino-acid change (lysine 24 retained).
Molecular consequence: synonymous variant. On other transcripts: intron variant (6).
Genome position (GRCh38, 1-based): chr20:58,891,798, A>G. VCF-style: chr20-58891798-A-G. GRCh37 (hg19) VCF-style: chr20-57466853-A-G.
Other names: c.72A>G, p.Lys24= (NM_001077488.5, NM_001077489.4, NM_001309842.2 and 1 more transcripts); c.*43-3814A>G (NM_016592.5); c.-38-3814A>G (NM_001309861.2); c.*1-3814A>G (NM_001077490.3); c.2069-3814A>G (NM_080425.4); c.*159-3814A>G (NM_001309883.1); c.-39+2445A>G (NM_001309840.2).
Identifiers: ClinVar variation 715264 (VCV000715264.9), dbSNP rs1600974959, ClinGen allele CA913079257.